The following is an entry in ClinVar:

NM_139058.3(ARX):c.134G>T (p.Gly45Val)

Gene: ARX (aristaless related homeobox; minus strand). Cytogenetic location: Xp21.3.
Variant type: single nucleotide variant.
Coding change: c.134G>T on transcript NM_139058.3 (MANE Select); coding-DNA position 134, G replaced by T.
Protein change: p.Gly45Val; replaces glycine 45 with valine.
Molecular consequence: missense variant.
Genome position (GRCh38, 1-based): chrX:25,015,604, C>A on the plus strand (G>T on the coding strand, the complement: ARX is on the minus strand). VCF-style: chrX-25015604-C-A. GRCh37 (hg19) VCF-style: chrX-25033721-C-A.
Other names: short protein forms G45V.
Identifiers: ClinVar variation 2660201 (VCV002660201.24), dbSNP rs2519109192, ClinGen allele CA412613822.

ClinVar aggregate classification (germline): Uncertain significance (1 of 4 stars; one submission).

Allele frequency attached by ClinVar (database versions not stated): gnomAD exomes below 0.00001.
gnomAD v4.1: 1 of 1,210,486 alleles (0.000083%); highest among the groups gnomAD compares: Non-Finnish European, 0.00011%; no homozygotes.

Submission:

CeGaT Center for Human Genetics Tuebingen
Classification: Uncertain significance. Last evaluated: 2022-11-01. Review status: criteria provided, single submitter. Criteria: CeGaT Center For Human Genetics Tuebingen Variant Classification Criteria Version 2. Collection method: clinical testing. Allele origin: germline. Affected: yes. Observed: 1 variant allele.
Comment: ARX: PM2, PP3